The following is an entry in ClinVar:

ClinVar aggregate classification (germline): Pathogenic (1 of 4 stars; one submission).

Conditions:
Hereditary cancer-predisposing syndrome. Also called: Tumor predisposition; Hereditary Cancer Syndrome; Hereditary neoplastic syndrome; Neoplastic Syndromes, Hereditary. Identifiers: Orphanet 140162, MedGen C0027672, MeSH D009386, MONDO:0015356.

Submission:

Ambry Genetics
Classification: Pathogenic for Hereditary cancer-predisposing syndrome. Last evaluated: 2023-08-11. Review status: criteria provided, single submitter. Criteria: Ambry Variant Classification Scheme 2023. Collection method: clinical testing. Allele origin: germline.
Comment: The c.1483dupA pathogenic mutation, located in coding exon 13 of the BAP1 gene, results from a duplication of A at nucleotide position 1483, causing a translational frameshift with a predicted alternate stop codon (p.T495Nfs*4). This variant is considered to be rare based on population cohorts in the Genome Aggregation Database (gnomAD). This alteration is expected to result in loss of function by premature protein truncation or nonsense-mediated mRNA decay. As such, this alteration is interpreted as a disease-causing mutation.

NM_004656.4(BAP1):c.1483dup (p.Thr495fs)

Gene: BAP1 (BRCA1 associated deubiquitinase 1; minus strand). Cytogenetic location: 3p21.1.
Variant type: Duplication.
Coding change: c.1483dup on transcript NM_004656.4 (MANE Select); coding-DNA position 1483, one base duplicated (A; older notation c.1483dupA).
Protein change: p.Thr495fs; shifts the reading frame from threonine 495.
Molecular consequence: frameshift variant.
Genome position (GRCh38, 1-based): chr3:52,403,662, T duplicated on the plus strand (A on the coding strand, the reverse complement: BAP1 is on the minus strand). VCF-style (leftmost placement, unchanged base first): chr3-52403661-G-GT. GRCh37 (hg19) VCF-style: chr3-52437677-G-GT.
Other names: c.1429dup, p.Thr477fs (NM_001410772.1); c.1483dupA (NM_004656.2); short protein forms T477fs, T495fs.
Identifiers: ClinVar variation 2626746 (VCV002626746.2), dbSNP rs2471328745, ClinGen allele CA2582342859.